The following is an entry in ClinVar:

ClinVar aggregate classification (germline): Likely benign. Review status: criteria provided, multiple submitters, no conflicts (2 of 4 stars). 3 submissions from 3 submitters: Likely benign (2). 1 of the submissions does not count toward it. Last evaluated 2026-01-25.

Conditions:
GORAB-related disorder. Also called: GORAB-related condition.
Inborn genetic diseases. Identifiers: MedGen C0950123, MeSH D030342.

Allele frequency attached by ClinVar (database versions not stated): gnomAD 0.00128 and 0.00119; TOPMed 0.00139; gnomAD exomes 0.00012 and 0.00031; ExAC 0.00040; 1000 Genomes Project 0.00100; ESP Exome Variant Server 0.00108; 1000 Genomes Project 30x 0.00109.

Submissions (3):

Labcorp Genetics (formerly Invitae), Labcorp
Classification: Likely benign. Last evaluated: 2026-01-25. Review status: criteria provided, single submitter. Criteria: Invitae Variant Classification Sherloc (09022015). Collection method: clinical testing. Allele origin: germline.

Ambry Genetics
Classification: Likely benign for Inborn genetic diseases. Last evaluated: 2025-01-18. Review status: criteria provided, single submitter. Criteria: Ambry Variant Classification Scheme 2023. Collection method: clinical testing. Allele origin: germline.

PreventionGenetics, part of Exact Sciences
Classification: Likely benign for GORAB-related condition. Last evaluated: 2024-06-20. Review status: no assertion criteria provided. Collection method: clinical testing. Allele origin: germline. Not counted in ClinVar's aggregate classification.
Comment: This variant is classified as likely benign based on ACMG/AMP sequence variant interpretation guidelines (Richards et al. 2015 PMID: 25741868, with internal and published modifications).

NM_152281.3(GORAB):c.670T>C (p.Phe224Leu)

Gene: GORAB (golgin, RAB6 interacting; plus strand). Cytogenetic location: 1q24.2.
Variant type: single nucleotide variant.
Coding change: c.670T>C on transcript NM_152281.3 (MANE Select); coding-DNA position 670, T replaced by C.
Protein change: p.Phe224Leu; replaces phenylalanine 224 with leucine.
Molecular consequence: missense variant. On other transcripts: non-coding transcript variant (1).
Genome position (GRCh38, 1-based): chr1:170,552,022, T>C. VCF-style: chr1-170552022-T-C. GRCh37 (hg19) VCF-style: chr1-170521163-T-C.
Other names: c.205T>C, p.Phe69Leu (NM_001320252.2); short protein forms F224L, F69L.
Identifiers: ClinVar variation 733680 (VCV000733680.12), dbSNP rs35416426, ClinGen allele CA1239220.
Genomic context (GRCh38, chr1:170,552,022, plus strand): 5'-ATATCTTCTTCAATGGAAAACTGATGGACCTATCTTTATACACATCCTTACAGGAAGCGG[T>C]TTGACAGGGCTGAAGCAGAGTACATTGCAGCAAAGCTAGATATACAGCGCAAGACTGAGA-3'
Protein context (NP_689494.3, residues 214-234): SLDYSYARKR[Phe224Leu]DRAEAEYIAA